The following is an entry in ClinVar:

NM_001267550.2(TTN):c.25434T>C (p.His8478=)

Gene: TTN (titin; minus strand). Cytogenetic location: 2q31.2.
Variant type: single nucleotide variant.
Coding change: c.25434T>C on transcript NM_001267550.2 (MANE Select); coding-DNA position 25434, T replaced by C.
Protein change: p.His8478=; no amino-acid change (histidine 8478 retained).
Molecular consequence: synonymous variant. On other transcripts: intron variant (3).
Genome position (GRCh38, 1-based): chr2:178,717,300, A>G on the plus strand (T>C on the coding strand, the complement: TTN is on the minus strand). VCF-style: chr2-178717300-A-G. GRCh37 (hg19) VCF-style: chr2-179582027-A-G.
Other names: c.24483T>C, p.His8161= (NM_001256850.1); c.21702T>C, p.His7234= (NM_133378.4); c.13282+20782T>C (NM_003319.4); c.13858+20782T>C (NM_133437.4); c.13657+20782T>C (NM_133432.3).
Identifiers: ClinVar variation 1077319 (VCV001077319.10), dbSNP rs1309181933, ClinGen allele CA430286189.

ClinVar aggregate classification (germline): Likely benign. Review status: criteria provided, multiple submitters, no conflicts (2 of 4 stars). 2 submissions from 2 submitters: Likely benign (2). Last evaluated 2026-02-05.

Conditions:
TTN-related disorder. Also called: TTN-related disorders; TTN-related condition; TTN-related disease.
Dilated cardiomyopathy 1G (CMD1G). Identifiers: Orphanet 154, MedGen C1858763, MONDO:0011400, OMIM 604145.
Autosomal recessive limb-girdle muscular dystrophy type 2J (LGMDR10). Also called: Limb-girdle muscular dystrophy, type 2J; MUSCULAR DYSTROPHY, LIMB-GIRDLE, AUTOSOMAL RECESSIVE 10. Identifiers: Orphanet 140922, MedGen C1837342, MONDO:0012127, OMIM 608807.

Allele frequency attached by ClinVar (database versions not stated): gnomAD exomes 0.00001.
gnomAD v4.1: 2 of 1,613,700 alleles (0.00012%); highest among the groups gnomAD compares: Admixed American, 0.0033%; no homozygotes.

Submissions (2):

PreventionGenetics, part of Exact Sciences
Classification: Likely benign for TTN-related condition. Last evaluated: 2026-02-05. Review status: criteria provided, single submitter. Criteria: ACMG Guidelines, 2015. Collection method: clinical testing. Allele origin: germline.
Comment: This variant is classified as likely benign based on ACMG/AMP sequence variant interpretation guidelines (Richards et al. 2015 PMID: 25741868, with internal and published modifications).

Labcorp Genetics (formerly Invitae), Labcorp
Classification: Likely benign for Dilated cardiomyopathy 1G; Autosomal recessive limb-girdle muscular dystrophy type 2J. Last evaluated: 2025-11-02. Review status: criteria provided, single submitter. Criteria: Invitae Variant Classification Sherloc (09022015). Collection method: clinical testing. Allele origin: germline.